The following is an entry in ClinVar:

GRCh38/hg38 17p13.2(chr17:3640170-3656795)x1

Genes: CTNS (cystinosin, lysosomal cystine transporter; plus strand), CTNS-AS1 (CTNS antisense RNA 1; minus strand). Cytogenetic location: 17p13.2.
Variant type: copy number loss.
Change: copy number 1 (one copy instead of two) of chr17:3,640,170-3,656,795 (16.6 kb, GRCh38 coordinates, 1-based), cytogenetic band 17p13.2.
Identifiers: ClinVar variation 147854 (VCV000147854.3).

ClinVar aggregate classification (germline): Conflicting classifications of pathogenicity. Review status: no assertion criteria provided (0 of 4 stars). 2 submissions from 2 submitters: Benign (1); conflicting data from submitters (1). Last evaluated 2010-10-19.

Submissions (2):

ISCA site 8
Classification: Benign. Last evaluated: 2010-10-19. Review status: no assertion criteria provided. Collection method: clinical testing. Allele origin: unknown. Affected: yes. Observed: 1 variant allele.

ISCA site 4
Classification: conflicting data from submitters. Last evaluated: 2010-03-30. Review status: no assertion criteria provided. Collection method: clinical testing. Allele origin: unknown. Affected: yes. Observed: 3 variant alleles. Clinical features observed: Developmental delay AND/OR other significant developmental or morphological phenotypes, Incoordination (HP:0002311), Expressive language delay (HP:0002474).
Comment: Uncertain significance(2), Benign (1)

Copy number variation identified through the course of routine clinical cytogenomic testing in postnatal populations, with clinical assertions as classified by the original submitter. For data from the original published study, Kaminsky, et al. 2011 (PubMed 21844811), please see nstd101.